The following is an entry in ClinVar:

ClinVar aggregate classification (germline): Likely benign. Review status: criteria provided, multiple submitters, no conflicts (2 of 4 stars). 2 submissions from 2 submitters: Likely benign (2). Last evaluated 2025-03-01.

gnomAD v4.1: 100 of 1,613,404 alleles (0.0062%); highest among the groups gnomAD compares: Middle Eastern, 0.099%; 1 homozygote.

Submissions (2):

CeGaT Center for Human Genetics Tuebingen
Classification: Likely benign. Last evaluated: 2025-03-01. Review status: criteria provided, single submitter. Criteria: CeGaT Center For Human Genetics Tuebingen Variant Classification Criteria Version 2. Collection method: clinical testing. Allele origin: germline. Affected: yes. Observed: 1 variant allele.
Comment: CDK12: BP4, BP7

Ambry Genetics
Classification: Likely benign. Last evaluated: 2024-11-17. Review status: criteria provided, single submitter. Criteria: Ambry Variant Classification Scheme 2023. Collection method: clinical testing. Allele origin: germline.

NM_016507.4(CDK12):c.2202A>G (p.Gly734=)

Gene: CDK12 (cyclin dependent kinase 12; plus strand). Cytogenetic location: 17q12.
Variant type: single nucleotide variant.
Coding change: c.2202A>G on transcript NM_016507.4 (MANE Select); coding-DNA position 2202, A replaced by G.
Protein change: p.Gly734=; no amino-acid change (glycine 734 retained).
Molecular consequence: synonymous variant.
Genome position (GRCh38, 1-based): chr17:39,492,844, A>G. VCF-style: chr17-39492844-A-G. GRCh37 (hg19) VCF-style: chr17-37649097-A-G.
Other names: c.2202A>G, p.Gly734= (NM_015083.4).
Identifiers: ClinVar variation 3489184 (VCV003489184.8).